The following is an entry in ClinVar:

ClinVar aggregate classification (germline): Pathogenic/Likely pathogenic. Review status: criteria provided, multiple submitters, no conflicts (2 of 4 stars). 9 submissions from 8 submitters: Pathogenic (6); Likely pathogenic (3). Last evaluated 2025-12-24.

Conditions:
Noonan syndrome 2 (NS2). Identifiers: Orphanet 648, MedGen C1854469, MONDO:0011531, OMIM 605275.
LZTR1-related schwannomatosis. Also called: Schwannomatosis-2, susceptibility to; Schwannomatosis 2. Identifiers: Orphanet 93921, MedGen C3810283, MONDO:0014299, OMIM 615670.
Hereditary cancer-predisposing syndrome. Also called: Tumor predisposition; Hereditary Cancer Syndrome; Hereditary neoplastic syndrome; Neoplastic Syndromes, Hereditary. Identifiers: Orphanet 140162, MedGen C0027672, MeSH D009386, MONDO:0015356.
Cardiovascular phenotype. Identifiers: MedGen CN230736.
LZTR1-related disorder. Also called: LZTR1-related disorders; LZTR1-related condition.

Allele frequency attached by ClinVar (database versions not stated): gnomAD exomes 0.00001; ESP Exome Variant Server 0.00008; ExAC 0.00002.
gnomAD v4.1: 12 of 1,611,012 alleles (0.00074%); highest among the groups gnomAD compares: South Asian, 0.0011%; no homozygotes.

Submissions (9):

Labcorp Genetics (formerly Invitae), Labcorp
Classification: Pathogenic. Last evaluated: 2025-12-24. Review status: criteria provided, single submitter. Criteria: Invitae Variant Classification Sherloc (09022015). Collection method: clinical testing. Allele origin: germline.
Comment: This sequence change affects a donor splice site in intron 15 of the LZTR1 gene. It is expected to disrupt RNA splicing. Variants that disrupt the donor or acceptor splice site typically lead to a loss of protein function (PMID: 16199547), and loss-of-function variants in LZTR1 are known to be pathogenic (PMID: 24362817, 25335493, 25480913, 25795793, 29469822, 30368668, 30442762, 30442766, 30481304, 30859559). This variant is present in population databases (rs145594158, gnomAD 0.005%). Disruption of this splice site has been observed in individual(s) with LTZR1-related conditions and/or schwannomatosis (PMID: 25480913, 36307859). In at least one individual the data is consistent with being in trans (on the opposite chromosome) from a pathogenic variant. ClinVar contains an entry for this variant (Variation ID: 546216). Algorithms developed to predict the effect of sequence changes on RNA splicing suggest that this variant may disrupt the consensus splice site. For these reasons, this variant has been classified as Pathogenic.

GeneDx
Classification: Pathogenic. Last evaluated: 2025-11-25. Review status: criteria provided, single submitter. Criteria: GeneDx Variant Classification Process June 2021. Collection method: clinical testing. Allele origin: germline. Affected: yes.
Comment: Canonical splice site variant predicted to result in a null allele in a gene for which loss of function is a known mechanism of disease; Not observed at significant frequency in large population cohorts (gnomAD); This variant is associated with the following publications: (PMID: 36307859, 37936555)

3billion
Classification: Pathogenic for LZTR1-related disorder. Last evaluated: 2025-06-10. Review status: criteria provided, single submitter. Criteria: ACMG Guidelines, 2015. Collection method: clinical testing. Allele origin: germline. Affected: yes.
Comment: The variant is observed at an extremely low frequency in the gnomAD v4.1.0 dataset (total allele frequency: <0.001%). Predicted Consequence/Location: Canonical splice site: predicted to alter splicing and result in a loss or disruption of normal protein function. Multiple pathogenic loss-of-function variants are reported downstream of the variant. In silico tools predict the variant to alter splicing and produce an abnormal transcript [SpliceAI: 0.99 (spliceogenicity >=0.2, non-spliceogenicity <0.1)]. The variant has been reported at least twice as pathogenic with clinical assertions and evidence for the classification (ClinVar ID: VCV000546216 /PMID: 36307859). Therefore, this variant is classified as Pathogenic according to the recommendation of ACMG/AMP guideline.

Ambry Genetics
Classification: Likely pathogenic for Cardiovascular phenotype; Hereditary cancer-predisposing syndrome. Last evaluated: 2025-04-09. Review status: criteria provided, single submitter. Criteria: Ambry Variant Classification Scheme 2023. Collection method: clinical testing. Allele origin: germline.
Comment: The c.1785+1G>A intronic variant results from a G to A substitution one nucleotide after coding exon 15 of the LZTR1 gene. This nucleotide position is highly conserved in available vertebrate species. In silico splice site analysis predicts that this alteration will weaken the native splice donor site and will result in the creation or strengthening of a novel splice donor site, and RNA studies have demonstrated that this alteration results in abnormal splicing in the set of samples tested (Ambry internal data). Loss-of-function variants in LZTR1 are related to an increased risk for schwannomas and autosomal recessive Noonan syndrome; however, such associations with autosomal dominant Noonan syndrome have not been observed (Piotrowski A et al. Nat Genet. 2014 Feb;46:182-7; Yamamoto GL et al. J Med Genet. 2015 Jun;52:413-21; Johnston JJ et al. Genet Med. 2018 10;20:1175-1185). Based on the supporting evidence, this variant is likely pathogenic for an increased risk of LZTR1-related schwannomatosis (SWN) and would be expected to cause autosomal recessive Noonan syndrome when present along with a second pathogenic or likely pathogenic variant on the other allele; however, the association of this alteration with autosomal dominant Noonan syndrome is unlikely.

Women's Health and Genetics/Laboratory Corporation of America, LabCorp
Classification: Likely pathogenic for Noonan syndrome 2. Last evaluated: 2024-08-30. Review status: criteria provided, single submitter. Criteria: LabCorp Variant Classification Summary - May 2015. Collection method: clinical testing. Allele origin: germline.
Comment: Variant summary: LZTR1 c.1785+1G>A is located in a canonical splice-site and is predicted to affect mRNA splicing resulting in a significantly altered protein due to either exon skipping, shortening, or inclusion of intronic material. Variants that disrupt the consensus splice site are a relatively common cause of aberrant splicing and loss of LZTR1 function. Several computational tools predict a significant impact on normal splicing: Four predict the variant abolishes a 5' splicing donor site. However, these predictions have yet to be confirmed by functional studies. The variant allele was found at a frequency of 8.1e-06 in 248126 control chromosomes (gnomAD). c.1785+1G>A has been reported in the literature in at least one compound heterozygous prenatal case with cystic hygroma, hydrops fetalis, and a hypoplastic left heart (e.g., Fu_2022); the variant was identified through whole-exome sequencing and confirmed to be in trans with a second LZTR1 splice-site variant. To our knowledge, this variant has not been observed in patients with autosomal dominant Noonan syndrome or Schwannomatosis, and no experimental evidence demonstrating an impact on protein function has been reported. The following publications have been ascertained in the context of this evaluation (PMID: 36307859, 24362817, 37936555). ClinVar contains an entry for this variant (Variation ID: 546216). Germline loss-of-function mutations in LZTR1 have been reported to predispose to an inherited disorder of multiple schwannomas (Piotrowski_2014) and recessive Noonan syndrome (Johnston_2018). Based on the evidence outlined above, the variant was classified as likely pathogenic for the risk of multiple schwannomas and recessive Noonan syndrome.

Baylor Genetics
Classification: Pathogenic for LZTR1-related schwannomatosis. Last evaluated: 2024-02-15. Review status: criteria provided, single submitter. Criteria: ACMG Guidelines, 2015. Collection method: clinical testing. Allele origin: unknown.

Genetics and Molecular Pathology, SA Pathology
Classification: Pathogenic for LZTR1-related schwannomatosis. Last evaluated: 2022-07-08. Review status: criteria provided, single submitter. Criteria: ACMG Guidelines, 2015. Collection method: clinical testing. Allele origin: germline. Inheritance: Autosomal dominant inheritance. Affected: yes.

Mendelics
Classification: Pathogenic for Noonan syndrome 2. Last evaluated: 2022-05-04. Review status: criteria provided, single submitter. Criteria: Mendelics Assertion Criteria 2019. Collection method: clinical testing. Allele origin: germline.

Baylor Genetics
Classification: Likely pathogenic for LZTR1-related schwannomatosis. Last evaluated: 2021-02-09. Review status: criteria provided, single submitter. Criteria: ACMG Guidelines, 2015. Collection method: clinical testing. Allele origin: maternal. Affected: yes. Study: CSER-TexasKidsCanSeq.
Comment: This variant was determined to be likely pathogenic according to ACMG Guidelines, 2015 [PMID:25741868].

Literature cited by the submitters: PubMed 16199547 (cited by Labcorp Genetics (formerly Invitae), Labcorp); PubMed 24362817 (cited by Labcorp Genetics (formerly Invitae), Labcorp and Women's Health and Genetics/Laboratory Corporation of America, LabCorp); PubMed 25335493 (cited by Labcorp Genetics (formerly Invitae), Labcorp); PubMed 25480913 (cited by Labcorp Genetics (formerly Invitae), Labcorp); PubMed 25795793 (cited by Labcorp Genetics (formerly Invitae), Labcorp); PubMed 29469822 (cited by Labcorp Genetics (formerly Invitae), Labcorp); PubMed 30368668 (cited by Labcorp Genetics (formerly Invitae), Labcorp); PubMed 30442762 (cited by Labcorp Genetics (formerly Invitae), Labcorp); PubMed 30442766 (cited by Labcorp Genetics (formerly Invitae), Labcorp); PubMed 30481304 (cited by Labcorp Genetics (formerly Invitae), Labcorp); PubMed 30859559 (cited by Labcorp Genetics (formerly Invitae), Labcorp); PubMed 36307859 (cited by 3 submitters); PubMed 37936555 (cited by Women's Health and Genetics/Laboratory Corporation of America, LabCorp).

NM_006767.4(LZTR1):c.1785+1G>A

Gene: LZTR1 (leucine zipper like post translational regulator 1; plus strand). Cytogenetic location: 22q11.21.
Variant type: single nucleotide variant.
Coding change: c.1785+1G>A on transcript NM_006767.4 (MANE Select); the canonical splice donor site of the intron after coding-DNA position 1785, G replaced by A.
Molecular consequence: splice donor variant.
Genome position (GRCh38, 1-based): chr22:20,994,728, G>A. VCF-style: chr22-20994728-G-A. GRCh37 (hg19) VCF-style: chr22-21349017-G-A.
Identifiers: ClinVar variation 546216 (VCV000546216.22), dbSNP rs145594158, ClinGen allele CA10119055.